The following is an entry in ClinVar:

NM_003001.5(SDHC):c.257G>A (p.Gly86Asp)

Gene: SDHC (succinate dehydrogenase complex subunit C; plus strand). Cytogenetic location: 1q23.3.
Variant type: single nucleotide variant.
Coding change: c.257G>A on transcript NM_003001.5 (MANE Select); coding-DNA position 257, G replaced by A.
Protein change: p.Gly86Asp; replaces glycine 86 with aspartic acid.
Molecular consequence: missense variant. On other transcripts: non-coding transcript variant (1), intron variant (3).
Genome position (GRCh38, 1-based): chr1:161,356,692, G>A. VCF-style: chr1-161356692-G-A. GRCh37 (hg19) VCF-style: chr1-161326482-G-A.
Other names: c.155G>A, p.Gly52Asp (NM_001035512.3); c.98G>A, p.Gly33Asp (NM_001035513.3); c.377G>A, p.Gly126Asp (NM_001407115.1); c.200G>A, p.Gly67Asp (NM_001407116.1); c.194G>A, p.Gly65Asp (NM_001407117.1); c.149G>A, p.Gly50Asp (NM_001407118.1); c.146G>A, p.Gly49Asp (NM_001407119.1, NM_001407120.1); c.242-5637G>A (NM_001035511.3); and 2 more; short protein forms G126D, G50D, G49D, G65D, G86D, G33D, G52D, G67D.
Identifiers: ClinVar variation 2076144 (VCV002076144.5), dbSNP rs202044160, ClinGen allele CA31433328.

ClinVar aggregate classification (germline): Conflicting classifications of pathogenicity. Review status: criteria provided, conflicting classifications (1 of 4 stars). 2 submissions from 2 submitters: Likely pathogenic (1); Uncertain significance (1). Last evaluated 2025-06-27.

Conditions:
Hereditary cancer-predisposing syndrome. Also called: Hereditary neoplastic syndrome; Neoplastic Syndromes, Hereditary; Hereditary Cancer Syndrome; Tumor predisposition. Identifiers: Orphanet 140162, MedGen C0027672, MeSH D009386, MONDO:0015356.
Pheochromocytoma/paraganglioma syndrome 3. Also called: GLOMUS TUMORS, FAMILIAL, 3; Paragangliomas 3; SDHC-Related Hereditary Paraganglioma-Pheochromocytoma Syndrome (Paragangliomas 3); SDHC-Related Hereditary Paraganglioma-Pheochromocytoma Syndrome. Identifiers: Orphanet 29072, MedGen C1854336, MONDO:0011544, OMIM 605373.
Gastrointestinal stromal tumor. Also called: Gastrointestinal stroma tumor; Gastrointestinal stromal tumor, somatic. Identifiers: Orphanet 44890, MedGen C0238198, MeSH D046152, MONDO:0011719, OMIM 606764, HP:0100723.

Submissions (2):

Labcorp Genetics (formerly Invitae), Labcorp
Classification: Uncertain significance for Pheochromocytoma/paraganglioma syndrome 3; Gastrointestinal stromal tumor. Last evaluated: 2025-06-27. Review status: criteria provided, single submitter. Criteria: Invitae Variant Classification Sherloc (09022015). Collection method: clinical testing. Allele origin: germline.
Comment: This sequence change replaces glycine, which is neutral and non-polar, with aspartic acid, which is acidic and polar, at codon 86 of the SDHC protein (p.Gly86Asp). This variant is not present in population databases (gnomAD no frequency). This variant has not been reported in the literature in individuals affected with SDHC-related conditions. ClinVar contains an entry for this variant (Variation ID: 2076144). An algorithm developed to predict the effect of missense changes on protein structure and function (PolyPhen-2) suggests that this variant is likely to be disruptive. In summary, the available evidence is currently insufficient to determine the role of this variant in disease. Therefore, it has been classified as a Variant of Uncertain Significance.

Ambry Genetics
Classification: Likely pathogenic for Hereditary cancer-predisposing syndrome. Last evaluated: 2025-03-06. Review status: criteria provided, single submitter. Criteria: Ambry Variant Classification Scheme 2023. Collection method: clinical testing. Allele origin: germline.
Comment: The p.G86D variant (also known as c.257G>A), located in coding exon 5 of the SDHC gene, results from a G to A substitution at nucleotide position 257. The glycine at codon 86 is replaced by aspartic acid, an amino acid with similar properties. This variant was reported in individual(s) with features consistent with SDHC-related paraganglioma-pheochromocytoma syndrome (Williams ST et al. Clin Endocrinol (Oxf), 2022 Apr;96:499-512; Ambry internal data). This amino acid position is highly conserved in available vertebrate species. In addition, this alteration is predicted to be deleterious by in silico analysis. This variant is considered to be rare based on population cohorts in the Genome Aggregation Database (gnomAD). Based on the majority of available evidence to date, this variant is likely to be pathogenic.

Literature cited by the submitters: PubMed 34558728 (cited by Ambry Genetics).